The following is an entry in ClinVar:

ClinVar aggregate classification (germline): Uncertain significance (1 of 4 stars; one submission).

Conditions:
Rhabdoid tumor predisposition syndrome 2 (RTPS2). Identifiers: Orphanet 231108, Orphanet 69077, MedGen C2750074, MONDO:0013224, OMIM 613325.

gnomAD v4.1: 6 of 1,587,032 alleles (0.00038%); highest among the groups gnomAD compares: Non-Finnish European, 0.00051%; no homozygotes.

Submission:

Labcorp Genetics (formerly Invitae), Labcorp
Classification: Uncertain significance for Rhabdoid tumor predisposition syndrome 2. Last evaluated: 2025-01-26. Review status: criteria provided, single submitter. Criteria: Invitae Variant Classification Sherloc (09022015). Collection method: clinical testing. Allele origin: germline.
Comment: This sequence change replaces methionine, which is neutral and non-polar, with valine, which is neutral and non-polar, at codon 72 of the SMARCA4 protein (p.Met72Val). This variant is not present in population databases (gnomAD no frequency). This variant has not been reported in the literature in individuals affected with SMARCA4-related conditions. Invitae Evidence Modeling of protein sequence and biophysical properties (such as structural, functional, and spatial information, amino acid conservation, physicochemical variation, residue mobility, and thermodynamic stability) indicates that this missense variant is not expected to disrupt SMARCA4 protein function with a negative predictive value of 80%. In summary, the available evidence is currently insufficient to determine the role of this variant in disease. Therefore, it has been classified as a Variant of Uncertain Significance.

NM_003072.5(SMARCA4):c.214A>G (p.Met72Val)

Gene: SMARCA4 (SWI/SNF related BAF chromatin remodeling complex subunit ATPase 4; plus strand). Cytogenetic location: 19p13.2.
Variant type: single nucleotide variant.
Coding change: c.214A>G on transcript NM_003072.5 (MANE Select); coding-DNA position 214, A replaced by G.
Protein change: p.Met72Val; replaces methionine 72 with valine.
Molecular consequence: missense variant. On other transcripts: non-coding transcript variant (1).
Genome position (GRCh38, 1-based): chr19:10,984,365, A>G. VCF-style: chr19-10984365-A-G. GRCh37 (hg19) VCF-style: chr19-11095041-A-G.
Other names: c.214A>G, p.Met72Val (NM_001128844.3, NM_001128845.2, NM_001128846.2 and 6 more transcripts); short protein forms M72V.
Identifiers: ClinVar variation 3691445 (VCV003691445.2).